The following is an entry in ClinVar:

NM_020975.6(RET):c.2887C>A (p.Leu963Ile)

Gene: RET (ret proto-oncogene; plus strand). Cytogenetic location: 10q11.21.
Variant type: single nucleotide variant.
Coding change: c.2887C>A on transcript NM_020975.6 (MANE Select); coding-DNA position 2887, C replaced by A.
Protein change: p.Leu963Ile; replaces leucine 963 with isoleucine.
Molecular consequence: missense variant.
Genome position (GRCh38, 1-based): chr10:43,123,756, C>A. VCF-style: chr10-43123756-C-A. GRCh37 (hg19) VCF-style: chr10-43619204-C-A.
Other names: c.2887C>A, p.Leu963Ile (NM_000323.2, NM_001406743.1, NM_001406744.1 and 4 more transcripts); c.2125C>A, p.Leu709Ile (NM_001355216.2); c.2758C>A, p.Leu920Ile (NM_001406761.1, NM_001406762.1, NM_001406764.1); c.2752C>A, p.Leu918Ile (NM_001406763.1, NM_001406765.1); c.2599C>A, p.Leu867Ile (NM_001406766.1, NM_001406767.1, NM_001406770.1); c.2623C>A, p.Leu875Ile (NM_001406768.1); c.2491C>A, p.Leu831Ile (NM_001406769.1, NM_001406772.1); c.2449C>A, p.Leu817Ile (NM_001406771.1, NM_001406773.1); and 10 more; short protein forms L963I, L709I, L624I, L817I, L918I, L633I, L664I, L788I.
Identifiers: ClinVar variation 220609 (VCV000220609.18), dbSNP rs864622603, ClinGen allele CA350428.

ClinVar aggregate classification (germline): Uncertain significance. Review status: criteria provided, multiple submitters, no conflicts (2 of 4 stars). 6 submissions from 6 submitters: Uncertain significance (5). 1 of the submissions does not count toward it. Last evaluated 2025-11-03.

Conditions:
Hirschsprung disease, susceptibility to, 1 (HSCR1). Also called: RET-Related Hirschsprung Disease. Identifiers: Orphanet 388, MedGen C3888239, MONDO:0007723, OMIM 142623.
Hereditary cancer-predisposing syndrome. Also called: Hereditary neoplastic syndrome; Tumor predisposition; Hereditary Cancer Syndrome; Neoplastic Syndromes, Hereditary. Identifiers: Orphanet 140162, MedGen C0027672, MeSH D009386, MONDO:0015356.
Multiple endocrine neoplasia, type 2 (MEN2). Identifiers: Orphanet 653, MedGen C4048306, MONDO:0019003. Disease mechanism: gain of function.
Multiple endocrine neoplasia type 2A. Also called: Multiple Endocrine Neoplasia Type 2A (MEN2A); MULTIPLE ENDOCRINE NEOPLASIA, TYPE IIA; PTC SYNDROME; SIPPLE SYNDROME; MEN 2A; MEN-2A syndrome. Identifiers: Orphanet 247698, Orphanet 653, MedGen C0025268, MeSH D018813, MONDO:0008234, OMIM 171400.

Allele frequency attached by ClinVar (database versions not stated): gnomAD 0.00001; gnomAD exomes 0.00001; TOPMed 0.00001.

Submissions (6):

Labcorp Genetics (formerly Invitae), Labcorp
Classification: Uncertain significance for Multiple endocrine neoplasia, type 2. Last evaluated: 2025-11-03. Review status: criteria provided, single submitter. Criteria: Invitae Variant Classification Sherloc (09022015). Collection method: clinical testing. Allele origin: germline.
Comment: This sequence change replaces leucine, which is neutral and non-polar, with isoleucine, which is neutral and non-polar, at codon 963 of the RET protein (p.Leu963Ile). This variant is present in population databases (no rsID available, gnomAD 0.007%). This variant has not been reported in the literature in individuals affected with RET-related conditions. ClinVar contains an entry for this variant (Variation ID: 220609). An algorithm developed to predict the effect of missense changes on protein structure and function (PolyPhen-2) suggests that this variant is likely to be disruptive. In summary, the available evidence is currently insufficient to determine the role of this variant in disease. Therefore, it has been classified as a Variant of Uncertain Significance.

Ambry Genetics
Classification: Uncertain significance for Hereditary cancer-predisposing syndrome. Last evaluated: 2025-01-07. Review status: criteria provided, single submitter. Criteria: Ambry Variant Classification Scheme 2023. Collection method: clinical testing. Allele origin: germline.
Comment: The p.L963I variant (also known as c.2887C>A), located in coding exon 17 of the RET gene, results from a C to A substitution at nucleotide position 2887. The leucine at codon 963 is replaced by isoleucine, an amino acid with highly similar properties. This amino acid position is highly conserved in available vertebrate species. In addition, the in silico prediction for this alteration is inconclusive. Based on the available evidence, the clinical significance of this variant remains unclear.

All of Us Research Program, National Institutes of Health
Classification: Uncertain significance for Multiple endocrine neoplasia, type 2. Last evaluated: 2024-07-20. Review status: criteria provided, single submitter. Criteria: ACMG Guidelines, 2015. Collection method: clinical testing. Allele origin: germline. Inheritance: Autosomal dominant inheritance. Observed: 3 variant alleles, 3 heterozygotes.
Comment: This missense variant replaces leucine with isoleucine at codon 963 of the RET protein. Computational prediction is inconclusive regarding the impact of this variant on protein structure and function (internally defined REVEL score threshold 0.5 < inconclusive < 0.7, PMID: 27666373). To our knowledge, functional studies have not been reported for this variant. This variant has not been reported in individuals affected with RET-related disorders in the literature. This variant has been identified in 1/31384 chromosomes in the general population by the Genome Aggregation Database (gnomAD). The available evidence is insufficient to determine the role of this variant in disease conclusively. Therefore, this variant is classified as a Variant of Uncertain Significance.

This study involves interpretation of variants in research participants for the purpose of population health screening. Participant phenotype was not available at the time of variant classification. Additional details can be found in publication PMID: 35346344, PMCID: PMC8962531

GeneDx
Classification: Uncertain significance. Last evaluated: 2023-10-11. Review status: criteria provided, single submitter. Criteria: GeneDx Variant Classification Process June 2021. Collection method: clinical testing. Allele origin: germline. Affected: yes.
Comment: Not observed at significant frequency in large population cohorts (gnomAD); In silico analysis supports that this missense variant does not alter protein structure/function; Has not been previously published as pathogenic or benign to our knowledge; This variant is associated with the following publications: (PMID: 14633923)

Baylor Genetics
Classification: Uncertain significance for Hirschsprung disease, susceptibility to, 1. Last evaluated: 2023-08-06. Review status: criteria provided, single submitter. Criteria: ACMG Guidelines, 2015. Collection method: clinical testing. Allele origin: unknown.

Counsyl
Classification: Uncertain significance for Multiple endocrine neoplasia type 2A. Last evaluated: 2016-12-27. Review status: no assertion criteria provided. Collection method: clinical testing. Allele origin: unknown. Not counted in ClinVar's aggregate classification.